The following is an entry in ClinVar:

ClinVar aggregate classification (germline): Uncertain significance. Review status: criteria provided, multiple submitters, no conflicts (2 of 4 stars). 2 submissions from 2 submitters: Uncertain significance (2). Last evaluated 2025-08-31.

Conditions:
3-Methylglutaconic aciduria type 3 (MGCA3). Also called: OPA3, AUTOSOMAL RECESSIVE; OPTIC ATROPHY 3, AUTOSOMAL RECESSIVE; OPA3-Related 3-Methylglutaconic Aciduria; Costeff Syndrome. Identifiers: Orphanet 67047, MedGen C0574084, MONDO:0009787, OMIM 258501.
Optic atrophy 3 (OPA3). Also called: OPTIC ATROPHY 3, AUTOSOMAL DOMINANT; Optic atrophy, cataract, and neurologic disorder; Optic atrophy 3 with cataract. Identifiers: Orphanet 67036, MedGen C1833809, MONDO:0008133, OMIM 165300.
Inborn genetic diseases. Identifiers: MedGen C0950123, MeSH D030342.

Allele frequency attached by ClinVar (database versions not stated): 1000 Genomes Project 30x 0.00031; ExAC 0.00001; gnomAD 0.00001; 1000 Genomes Project 0.00020.
gnomAD v4.1: 31 of 1,606,756 alleles (0.0019%); highest among the groups gnomAD compares: African/African-American, 0.004%; no homozygotes.

Submissions (2):

Ambry Genetics
Classification: Uncertain significance for Inborn genetic diseases. Last evaluated: 2025-08-31. Review status: criteria provided, single submitter. Criteria: Ambry Variant Classification Scheme 2023. Collection method: clinical testing. Allele origin: germline.

Labcorp Genetics (formerly Invitae), Labcorp
Classification: Uncertain significance for 3-Methylglutaconic aciduria type 3; Optic atrophy 3. Last evaluated: 2024-01-06. Review status: criteria provided, single submitter. Criteria: Invitae Variant Classification Sherloc (09022015). Collection method: clinical testing. Allele origin: germline.
Comment: This sequence change replaces alanine, which is neutral and non-polar, with proline, which is neutral and non-polar, at codon 143 of the OPA3 protein (p.Ala143Pro). This variant is present in population databases (rs567096759, gnomAD 0.007%). This variant has not been reported in the literature in individuals affected with OPA3-related conditions. An algorithm developed to predict the effect of missense changes on protein structure and function (PolyPhen-2) suggests that this variant is likely to be disruptive. In summary, the available evidence is currently insufficient to determine the role of this variant in disease. Therefore, it has been classified as a Variant of Uncertain Significance.

NM_025136.4(OPA3):c.427G>C (p.Ala143Pro)

Genes: OPA3 (outer mitochondrial membrane lipid metabolism regulator OPA3; minus strand), OPA3-RTN2 (OPA3-RTN2 readthrough; minus strand). Cytogenetic location: 19q13.32.
Variant type: single nucleotide variant.
Coding change: c.427G>C on transcript NM_025136.4 (MANE Select); coding-DNA position 427, G replaced by C.
Protein change: p.Ala143Pro; replaces alanine 143 with proline.
Molecular consequence: missense variant. On other transcripts: intron variant (1).
Genome position (GRCh38, 1-based): chr19:45,553,627, C>G on the plus strand (G>C on the coding strand, the complement: OPA3 is on the minus strand). VCF-style: chr19-45553627-C-G. GRCh37 (hg19) VCF-style: chr19-46056885-C-G.
Other names: c.427G>C (NM_025136.3); c.143-24171G>C (NM_001017989.3); short protein forms A143P.
Identifiers: ClinVar variation 2926521 (VCV002926521.4), dbSNP rs567096759, ClinGen allele CA9517395.